The following is an entry in ClinVar:

NM_000341.4(SLC3A1):c.893A>T (p.Glu298Val)

Gene: SLC3A1 (solute carrier family 3 member 1; plus strand). Cytogenetic location: 2p21.
Variant type: single nucleotide variant.
Coding change: c.893A>T on transcript NM_000341.4 (MANE Select); coding-DNA position 893, A replaced by T.
Protein change: p.Glu298Val; replaces glutamic acid 298 with valine.
Molecular consequence: missense variant.
Genome position (GRCh38, 1-based): chr2:44,299,972, A>T. VCF-style: chr2-44299972-A-T. GRCh37 (hg19) VCF-style: chr2-44527111-A-T.
Other names: short protein forms E298V.
Identifiers: ClinVar variation 3368938 (VCV003368938.1).
Genomic context (GRCh38, chr2:44,299,972, plus strand): 5'-TAAACGTTGTGATAATAACGTAGTTAATGTAACCAAGCATTTTGCTTCTTCATCTTTAGG[A>T]AATTTTACGGTTCTGGCTCACAAAGGGTGTTGATGGTTTTAGTTTGGATGCTGTTAAATT-3'
Protein context (NP_000332.2, residues 288-308): RNPDVQEEIK[Glu298Val]ILRFWLTKGV

ClinVar aggregate classification (germline): Uncertain significance (1 of 4 stars; one submission).

gnomAD v4.1: 3 of 1,614,096 alleles (0.00019%); highest among the groups gnomAD compares: Non-Finnish European, 0.00025%; no homozygotes.

Submission:

GeneDx
Classification: Uncertain significance. Last evaluated: 2024-02-06. Review status: criteria provided, single submitter. Criteria: GeneDx Variant Classification Process June 2021. Collection method: clinical testing. Allele origin: germline. Affected: yes.
Comment: Not observed at significant frequency in large population cohorts (gnomAD); In silico analysis supports that this missense variant has a deleterious effect on protein structure/function; Has not been previously published as pathogenic or benign to our knowledge